The following is an entry in ClinVar:

NM_021930.6(RINT1):c.407T>G (p.Leu136Arg)

Gene: RINT1 (RAD50 interactor 1; plus strand). Cytogenetic location: 7q22.3.
Variant type: single nucleotide variant.
Coding change: c.407T>G on transcript NM_021930.6 (MANE Select); coding-DNA position 407, T replaced by G.
Protein change: p.Leu136Arg; replaces leucine 136 with arginine.
Molecular consequence: missense variant. On other transcripts: 5 prime UTR variant (3), non-coding transcript variant (1).
Genome position (GRCh38, 1-based): chr7:105,542,541, T>G. VCF-style: chr7-105542541-T-G. GRCh37 (hg19) VCF-style: chr7-105182988-T-G.
Other names: c.173T>G, p.Leu58Arg (NM_001346599.2); c.-613T>G (NM_001346600.2); c.-516T>G (NM_001346601.2); c.-136T>G (NM_001346603.2); short protein forms L136R, L58R.
Identifiers: ClinVar variation 1737622 (VCV001737622.3), dbSNP rs2485112756, ClinGen allele CA368803476.

ClinVar aggregate classification (germline): Uncertain significance (1 of 4 stars; one submission).

Submission:

Ambry Genetics
Classification: Uncertain significance. Last evaluated: 2024-12-14. Review status: criteria provided, single submitter. Criteria: Ambry Variant Classification Scheme 2023. Collection method: clinical testing. Allele origin: germline.
Comment: The p.L136R variant (also known as c.407T>G), located in coding exon 4 of the RINT1 gene, results from a T to G substitution at nucleotide position 407. The leucine at codon 136 is replaced by arginine, an amino acid with dissimilar properties. This amino acid position is conserved. In addition, this alteration is predicted to be tolerated by in silico analysis. Since supporting evidence is limited at this time, the clinical significance of this alteration remains unclear.